The following is an entry in ClinVar:

ClinVar aggregate classification (germline): Uncertain significance. Review status: criteria provided, multiple submitters, no conflicts (2 of 4 stars). 2 submissions from 2 submitters: Uncertain significance (2). Last evaluated 2026-01-12.

Conditions:
Brugada syndrome 8 (BRGDA8). Identifiers: Orphanet 130, MedGen C2751083, MONDO:0013148, OMIM 613123.
Cardiovascular phenotype. Identifiers: MedGen CN230736.

Allele frequency attached by ClinVar (database versions not stated): gnomAD 0.00001.

Submissions (2):

Labcorp Genetics (formerly Invitae), Labcorp
Classification: Uncertain significance for Brugada syndrome 8. Last evaluated: 2026-01-12. Review status: criteria provided, single submitter. Criteria: Invitae Variant Classification Sherloc (09022015). Collection method: clinical testing. Allele origin: germline.
Comment: This sequence change replaces alanine, which is neutral and non-polar, with glutamic acid, which is acidic and polar, at codon 149 of the HCN4 protein (p.Ala149Glu). This variant is not present in population databases (gnomAD no frequency). This variant has not been reported in the literature in individuals affected with HCN4-related conditions. ClinVar contains an entry for this variant (Variation ID: 2487532). Invitae Evidence Modeling of protein sequence and biophysical properties (such as structural, functional, and spatial information, amino acid conservation, physicochemical variation, residue mobility, and thermodynamic stability) indicates that this missense variant is not expected to disrupt HCN4 protein function with a negative predictive value of 95%. In summary, the available evidence is currently insufficient to determine the role of this variant in disease. Therefore, it has been classified as a Variant of Uncertain Significance.

Ambry Genetics
Classification: Uncertain significance for Cardiovascular phenotype. Last evaluated: 2023-02-22. Review status: criteria provided, single submitter. Criteria: Ambry Variant Classification Scheme 2023. Collection method: clinical testing. Allele origin: germline.

NM_005477.3(HCN4):c.446C>A (p.Ala149Glu)

Gene: HCN4 (hyperpolarization activated cyclic nucleotide gated potassium channel 4; minus strand). Cytogenetic location: 15q24.1.
Variant type: single nucleotide variant.
Coding change: c.446C>A on transcript NM_005477.3 (MANE Select); coding-DNA position 446, C replaced by A.
Protein change: p.Ala149Glu; replaces alanine 149 with glutamic acid.
Molecular consequence: missense variant.
Genome position (GRCh38, 1-based): chr15:73,367,825, G>T on the plus strand (C>A on the coding strand, the complement: HCN4 is on the minus strand). VCF-style: chr15-73367825-G-T. GRCh37 (hg19) VCF-style: chr15-73660166-G-T.
Other names: short protein forms A149E.
Identifiers: ClinVar variation 2487532 (VCV002487532.5), dbSNP rs2043136146, ClinGen allele CA393097996.